The following is an entry in ClinVar:

NM_001098.3(ACO2):c.1436G>A (p.Arg479His)

Gene: ACO2 (aconitase 2; plus strand). Cytogenetic location: 22q13.2.
Variant type: single nucleotide variant.
Coding change: c.1436G>A on transcript NM_001098.3 (MANE Select); coding-DNA position 1436, G replaced by A.
Protein change: p.Arg479His; replaces arginine 479 with histidine.
Molecular consequence: missense variant.
Genome position (GRCh38, 1-based): chr22:41,523,895, G>A. VCF-style: chr22-41523895-G-A. GRCh37 (hg19) VCF-style: chr22-41919899-G-A.
Other names: short protein forms R479H.
Identifiers: ClinVar variation 1366895 (VCV001366895.9), dbSNP rs2146136486, ClinGen allele CA411726976.

ClinVar aggregate classification (germline): Uncertain significance. Review status: criteria provided, multiple submitters, no conflicts (2 of 4 stars). 2 submissions from 2 submitters: Uncertain significance (2). Last evaluated 2026-02-01.

Allele frequency attached by ClinVar (database versions not stated): gnomAD exomes below 0.00001.
gnomAD v4.1: 1 of 1,612,644 alleles (0.000062%); highest among the groups gnomAD compares: Non-Finnish European, 0.000085%; no homozygotes.

Submissions (2):

Labcorp Genetics (formerly Invitae), Labcorp
Classification: Uncertain significance. Last evaluated: 2026-02-01. Review status: criteria provided, single submitter. Criteria: Invitae Variant Classification Sherloc (09022015). Collection method: clinical testing. Allele origin: germline.
Comment: This sequence change replaces arginine, which is basic and polar, with histidine, which is basic and polar, at codon 479 of the ACO2 protein (p.Arg479His). This variant is not present in population databases (gnomAD no frequency). This variant has not been reported in the literature in individuals affected with ACO2-related conditions. ClinVar contains an entry for this variant (Variation ID: 1366895). Invitae Evidence Modeling of protein sequence and biophysical properties (such as structural, functional, and spatial information, amino acid conservation, physicochemical variation, residue mobility, and thermodynamic stability) indicates that this missense variant is expected to disrupt ACO2 protein function with a positive predictive value of 80%. In summary, the available evidence is currently insufficient to determine the role of this variant in disease. Therefore, it has been classified as a Variant of Uncertain Significance.

Blueprint Genetics
Classification: Uncertain significance. Last evaluated: 2022-04-20. Review status: criteria provided, single submitter. Criteria: ACMG Guidelines, 2015. Collection method: clinical testing. Allele origin: germline.